The following is an entry in ClinVar:

NM_021625.5(TRPV4):c.1639G>T (p.Gly547Cys)

Gene: TRPV4 (transient receptor potential cation channel subfamily V member 4; minus strand). Cytogenetic location: 12q24.11.
Variant type: single nucleotide variant.
Coding change: c.1639G>T on transcript NM_021625.5 (MANE Select); coding-DNA position 1639, G replaced by T.
Protein change: p.Gly547Cys; replaces glycine 547 with cysteine.
Molecular consequence: missense variant.
Genome position (GRCh38, 1-based): chr12:109,793,546, C>A on the plus strand (G>T on the coding strand, the complement: TRPV4 is on the minus strand). VCF-style: chr12-109793546-C-A. GRCh37 (hg19) VCF-style: chr12-110231351-C-A.
Other names: c.1498G>T, p.Gly500Cys (NM_001177428.2); c.1537G>T, p.Gly513Cys (NM_001177431.2); c.1318G>T, p.Gly440Cys (NM_001177433.2); c.1459G>T, p.Gly487Cys (NM_147204.3); short protein forms G440C, G500C, G547C, G487C, G513C.
Identifiers: ClinVar variation 1993199 (VCV001993199.4), dbSNP rs770639004, ClinGen allele CA386651575.

ClinVar aggregate classification (germline): Uncertain significance (1 of 4 stars; one submission).

Conditions:
Charcot-Marie-Tooth disease axonal type 2C (HMSN2C). Also called: CHARCOT-MARIE-TOOTH DISEASE, AXONAL, AUTOSOMAL DOMINANT, TYPE 2C; Charcot-Marie-Tooth Neuropathy Type 2C; Charcot-Marie-Tooth Disease Type 2, TRPV4-Related (CMT2C). Identifiers: Orphanet 99937, MedGen C1853710, MONDO:0011633, OMIM 606071.

Submission:

Labcorp Genetics (formerly Invitae), Labcorp
Classification: Uncertain significance for Charcot-Marie-Tooth disease axonal type 2C. Last evaluated: 2024-04-17. Review status: criteria provided, single submitter. Criteria: Invitae Variant Classification Sherloc (09022015). Collection method: clinical testing. Allele origin: germline.
Comment: This sequence change replaces glycine, which is neutral and non-polar, with cysteine, which is neutral and slightly polar, at codon 547 of the TRPV4 protein (p.Gly547Cys). This variant is not present in population databases (gnomAD no frequency). This variant has not been reported in the literature in individuals affected with TRPV4-related conditions. ClinVar contains an entry for this variant (Variation ID: 1993199). Advanced modeling of protein sequence and biophysical properties (such as structural, functional, and spatial information, amino acid conservation, physicochemical variation, residue mobility, and thermodynamic stability) has been performed at Invitae for this missense variant, however the output from this modeling did not meet the statistical confidence thresholds required to predict the impact of this variant on TRPV4 protein function. In summary, the available evidence is currently insufficient to determine the role of this variant in disease. Therefore, it has been classified as a Variant of Uncertain Significance.